The following is an entry in ClinVar:

ClinVar aggregate classification (germline): Uncertain significance (1 of 4 stars; one submission).

Conditions:
Hereditary cancer-predisposing syndrome. Also called: Hereditary Cancer Syndrome; Hereditary neoplastic syndrome; Neoplastic Syndromes, Hereditary; Tumor predisposition. Identifiers: Orphanet 140162, MedGen C0027672, MeSH D009386, MONDO:0015356.

Submission:

Ambry Genetics
Classification: Uncertain significance for Hereditary cancer-predisposing syndrome. Last evaluated: 2021-01-27. Review status: criteria provided, single submitter. Criteria: Ambry Variant Classification Scheme 2023. Collection method: clinical testing. Allele origin: germline.
Comment: The p.F447L variant (also known as c.1341C>A), located in coding exon 11 of the CHEK2 gene, results from a C to A substitution at nucleotide position 1341. The phenylalanine at codon 447 is replaced by leucine, an amino acid with highly similar properties. This amino acid position is well conserved in available vertebrate species. In addition, this alteration is predicted to be tolerated by in silico analysis. Since supporting evidence is limited at this time, the clinical significance of this alteration remains unclear.

NM_007194.4(CHEK2):c.1341C>A (p.Phe447Leu)

Gene: CHEK2 (checkpoint kinase 2; minus strand). Cytogenetic location: 22q12.1.
Variant type: single nucleotide variant.
Coding change: c.1341C>A on transcript NM_007194.4 (MANE Select); coding-DNA position 1341, C replaced by A.
Protein change: p.Phe447Leu; replaces phenylalanine 447 with leucine.
Molecular consequence: missense variant.
Genome position (GRCh38, 1-based): chr22:28,695,161, G>T on the plus strand (C>A on the coding strand, the complement: CHEK2 is on the minus strand). VCF-style: chr22-28695161-G-T. GRCh37 (hg19) VCF-style: chr22-29091149-G-T.
Other names: c.1470C>A, p.Phe490Leu (NM_001005735.3); c.678C>A, p.Phe226Leu (NM_001257387.3); c.1140C>A, p.Phe380Leu (NM_001349956.3); c.1254C>A, p.Phe418Leu (NM_145862.3); short protein forms F490L, F226L, F418L, F380L, F447L.
Identifiers: ClinVar variation 1770372 (VCV001770372.2), dbSNP rs2145793703, ClinGen allele CA411095690.
Genomic context (GRCh38, chr22:28,695,161, plus strand): 5'-AATTCTTAACCCTTTCATATTCATACCTTTCTCTGAGACTTCTGCCCAGACTTCAGGAAT[G>T]AAGTTGTATTTTCCACTGGTGATCTGATCCTTCAGTGACACTTGAGTCCTATGCTCAGAG-3'
Protein context (NP_009125.1, residues 437-457): KDQITSGKYN[Phe447Leu]IPEVWAEVSE